The following is an entry in ClinVar:

NM_018010.4(IFT57):c.820G>A (p.Gly274Arg)

Gene: IFT57 (intraflagellar transport 57; minus strand). Cytogenetic location: 3q13.12.
Variant type: single nucleotide variant.
Coding change: c.820G>A on transcript NM_018010.4 (MANE Select); coding-DNA position 820, G replaced by A.
Protein change: p.Gly274Arg; replaces glycine 274 with arginine.
Molecular consequence: missense variant.
Genome position (GRCh38, 1-based): chr3:108,167,822, C>T on the plus strand (G>A on the coding strand, the complement: IFT57 is on the minus strand). VCF-style: chr3-108167822-C-T. GRCh37 (hg19) VCF-style: chr3-107886669-C-T.
Other names: c.820G>A (NM_018010.3); short protein forms G274R.
Identifiers: ClinVar variation 2144853 (VCV002144853.5), dbSNP rs142034712, ClinGen allele CA2526562.
Genomic context (GRCh38, chr3:108,167,822, plus strand): 5'-TACATTGATTCACGTAAAGTAATTCATATACCTTGGTCTCCTTTAGAGCAGATTCAATTC[C>T]ACTTCTGTGCTGGTGCATTTGGTCAACATGGATTCTCCAATCCTACAGGCATAGAGCACA-3'
Protein context (NP_060480.1, residues 264-284): HVDQMHQHRS[Gly274Arg]IESALKETKG

ClinVar aggregate classification (germline): Uncertain significance. Review status: criteria provided, multiple submitters, no conflicts (2 of 4 stars). 2 submissions from 2 submitters: Uncertain significance (2). Last evaluated 2025-08-13.

Allele frequency attached by ClinVar (database versions not stated): gnomAD exomes below 0.00001; ExAC 0.00001; gnomAD 0.00006; TOPMed 0.00006; ESP Exome Variant Server 0.00015.
gnomAD v4.1: 15 of 1,589,794 alleles (0.00094%); highest among the groups gnomAD compares: African/African-American, 0.018%; no homozygotes.

Submissions (2):

Ambry Genetics
Classification: Uncertain significance. Last evaluated: 2025-08-13. Review status: criteria provided, single submitter. Criteria: Ambry Variant Classification Scheme 2023. Collection method: clinical testing. Allele origin: germline.

Labcorp Genetics (formerly Invitae), Labcorp
Classification: Uncertain significance. Last evaluated: 2022-05-29. Review status: criteria provided, single submitter. Criteria: Invitae Variant Classification Sherloc (09022015). Collection method: clinical testing. Allele origin: germline.
Comment: This sequence change replaces glycine, which is neutral and non-polar, with arginine, which is basic and polar, at codon 274 of the IFT57 protein (p.Gly274Arg). This variant is present in population databases (rs142034712, gnomAD 0.02%). This variant has not been reported in the literature in individuals affected with IFT57-related conditions. Algorithms developed to predict the effect of missense changes on protein structure and function are either unavailable or do not agree on the potential impact of this missense change (SIFT: "Tolerated"; PolyPhen-2: "Possibly Damaging"; Align-GVGD: "Class C0"). In summary, the available evidence is currently insufficient to determine the role of this variant in disease. Therefore, it has been classified as a Variant of Uncertain Significance.